The following is an entry in ClinVar:

ClinVar aggregate classification (germline): Conflicting classifications of pathogenicity. Review status: criteria provided, conflicting classifications (1 of 4 stars). 4 submissions from 4 submitters: Uncertain significance (2); Likely benign (2). Last evaluated 2025-07-22.

Conditions:
Microcytic anemia. Identifiers: MedGen C5194182, MONDO:0001245, HP:0001935. Disease mechanism: loss of function.

Allele frequency attached by ClinVar (database versions not stated): gnomAD 0.00029 and 0.00025; TOPMed 0.00037; gnomAD exomes 0.00049 and 0.00019; ExAC 0.00057; 1000 Genomes Project 30x 0.00078; 1000 Genomes Project 0.00080.
gnomAD v4.1: 304 of 1,555,836 alleles (0.02%); highest among the groups gnomAD compares: East Asian, 0.46%; no homozygotes.

Submissions (4):

Mayo Clinic Laboratories, Mayo Clinic
Classification: Uncertain significance. Last evaluated: 2025-07-22. Review status: criteria provided, single submitter. Criteria: ACMG Guidelines, 2015. Collection method: clinical testing. Allele origin: germline. Observed: 1 variant allele.

Blueprint Genetics
Classification: Uncertain significance. Last evaluated: 2024-07-30. Review status: criteria provided, single submitter. Criteria: ACMG Guidelines, 2015. Collection method: clinical testing. Allele origin: germline.

Labcorp Genetics (formerly Invitae), Labcorp
Classification: Likely benign. Last evaluated: 2023-09-05. Review status: criteria provided, single submitter. Criteria: Invitae Variant Classification Sherloc (09022015). Collection method: clinical testing. Allele origin: germline.

Illumina Laboratory Services, Illumina
Classification: Likely benign for Iron-refractory iron deficiency anemia. Last evaluated: 2018-01-13. Review status: criteria provided, single submitter. Criteria: ICSL Variant Classification Criteria 13 December 2019. Collection method: clinical testing. Allele origin: germline.
Comment: This variant was observed in the ICSL laboratory as part of a predisposition screen in an ostensibly healthy population. It had not been previously curated by ICSL or reported in the Human Gene Mutation Database (HGMD: prior to June 1st, 2018), and was therefore a candidate for classification through an automated scoring system. Utilizing variant allele frequency, disease prevalence and penetrance estimates, and inheritance mode, an automated score was calculated to assess if this variant is too frequent to cause the disease. Based on the score and internal cut-off values, a variant classified as likely benign is not then subjected to further curation. The score for this variant resulted in a classification of likely benign for this disease.

Literature cited by the submitters: PubMed 30166352 (cited by Mayo Clinic Laboratories, Mayo Clinic).

NM_001374504.1(TMPRSS6):c.992C>T (p.Thr331Met)

Gene: TMPRSS6 (transmembrane serine protease 6; minus strand). Cytogenetic location: 22q12.3.
Variant type: single nucleotide variant.
Coding change: c.992C>T on transcript NM_001374504.1 (MANE Select); coding-DNA position 992, C replaced by T.
Protein change: p.Thr331Met; replaces threonine 331 with methionine.
Molecular consequence: missense variant.
Genome position (GRCh38, 1-based): chr22:37,084,821, G>A on the plus strand (C>T on the coding strand, the complement: TMPRSS6 is on the minus strand). VCF-style: chr22-37084821-G-A. GRCh37 (hg19) VCF-style: chr22-37480861-G-A.
Other names: p.Thr340Met; c.1019C>T (NM_153609.3); c.992C>T, p.Thr331Met (NM_001289000.2, NM_001289001.2, NM_153609.4); short protein forms T331M.
Identifiers: ClinVar variation 341591 (VCV000341591.10), dbSNP rs185482276, ClinGen allele CA10215814.